The following is an entry in ClinVar:

ClinVar aggregate classification (germline): Conflicting classifications of pathogenicity. Review status: criteria provided, conflicting classifications (1 of 4 stars). 2 submissions from 2 submitters: Uncertain significance (1); Likely benign (1). Last evaluated 2025-12-10.

Conditions:
Cryopyrin associated periodic syndrome (CAPS). Identifiers: Orphanet 208650, MedGen C2316212, MONDO:0016168.

Allele frequency attached by ClinVar (database versions not stated): ExAC 0.00001; gnomAD exomes 0.00001 and 0.00002; ESP Exome Variant Server 0.00008; TOPMed 0.00008; gnomAD 0.00011.
gnomAD v4.1: 20 of 1,613,916 alleles (0.0012%); highest among the groups gnomAD compares: African/African-American, 0.027%; no homozygotes.

Submissions (2):

Labcorp Genetics (formerly Invitae), Labcorp
Classification: Likely benign for Cryopyrin associated periodic syndrome. Last evaluated: 2025-12-10. Review status: criteria provided, single submitter. Criteria: Invitae Variant Classification Sherloc (09022015). Collection method: clinical testing. Allele origin: germline.

GeneDx
Classification: Uncertain significance. Last evaluated: 2023-11-17. Review status: criteria provided, single submitter. Criteria: GeneDx Variant Classification Process June 2021. Collection method: clinical testing. Allele origin: germline. Affected: yes.
Comment: In silico analysis supports that this variant does not alter splicing; Has not been previously published as pathogenic or benign to our knowledge; Also known as p.S94=

NM_001243133.2(NLRP3):c.282A>T (p.Ser94=)

Gene: NLRP3 (NLR family pyrin domain containing 3; plus strand). Cytogenetic location: 1q44.
Variant type: single nucleotide variant.
Coding change: c.282A>T on transcript NM_001243133.2 (MANE Select); coding-DNA position 282, A replaced by T.
Protein change: p.Ser94=; no amino-acid change (serine 94 retained).
Molecular consequence: synonymous variant.
Genome position (GRCh38, 1-based): chr1:247,423,234, A>T. VCF-style: chr1-247423234-A-T. GRCh37 (hg19) VCF-style: chr1-247586536-A-T.
Other names: c.282A>T, p.Ser94= (NM_001079821.3, NM_001127461.3, NM_001127462.3 and 1 more transcripts); c.288A>T, p.Ser96= (NM_004895.5).
Identifiers: ClinVar variation 1307162 (VCV001307162.10), dbSNP rs374949230, ClinGen allele CA1494816.